The following is an entry in ClinVar:

ClinVar aggregate classification (germline): Uncertain significance (1 of 4 stars; one submission).

Conditions:
Hereditary cancer-predisposing syndrome. Also called: Neoplastic Syndromes, Hereditary; Hereditary Cancer Syndrome; Hereditary neoplastic syndrome; Tumor predisposition. Identifiers: Orphanet 140162, MedGen C0027672, MeSH D009386, MONDO:0015356.

Submission:

Ambry Genetics
Classification: Uncertain significance for Hereditary cancer-predisposing syndrome. Last evaluated: 2023-05-09. Review status: criteria provided, single submitter. Criteria: Ambry Variant Classification Scheme 2023. Collection method: clinical testing. Allele origin: germline.
Comment: The p.S2429Y variant (also known as c.7286C>A), located in coding exon 15 of the APC gene, results from a C to A substitution at nucleotide position 7286. The serine at codon 2429 is replaced by tyrosine, an amino acid with dissimilar properties. This amino acid position is conserved. In addition, in silico predictors for this gene do not accurately predict pathogenicity. Since supporting evidence is limited at this time, the clinical significance of this alteration remains unclear.

NM_000038.6(APC):c.7286C>A (p.Ser2429Tyr)

Gene: APC (APC regulator of Wnt signaling pathway; plus strand). Cytogenetic location: 5q22.2.
Variant type: single nucleotide variant.
Coding change: c.7286C>A on transcript NM_000038.6 (MANE Select); coding-DNA position 7286, C replaced by A.
Protein change: p.Ser2429Tyr; replaces serine 2429 with tyrosine.
Molecular consequence: missense variant. On other transcripts: non-coding transcript variant (2).
Genome position (GRCh38, 1-based): chr5:112,842,880, C>A. VCF-style: chr5-112842880-C-A. GRCh37 (hg19) VCF-style: chr5-112178577-C-A.
Other names: c.7286C>A, p.Ser2429Tyr (NM_001127510.3, NM_001354895.2, NM_001407450.1); c.7232C>A, p.Ser2411Tyr (NM_001127511.3); c.7340C>A, p.Ser2447Tyr (NM_001354896.2, NM_001407447.1, NM_001407448.1 and 1 more transcripts); c.7316C>A, p.Ser2439Tyr (NM_001354897.2); c.7211C>A, p.Ser2404Tyr (NM_001354898.2); c.7202C>A, p.Ser2401Tyr (NM_001354899.2); c.7163C>A, p.Ser2388Tyr (NM_001354900.2); c.7109C>A, p.Ser2370Tyr (NM_001354901.2, NM_001407453.1); and 11 more; short protein forms S2146Y, S2300Y, S2388Y, S2404Y, S2411Y, S2422Y, S2429Y, S2447Y.
Identifiers: ClinVar variation 2562356 (VCV002562356.2), dbSNP rs1060503363, ClinGen allele CA16037198.